The following is an entry in ClinVar:

NM_001130438.3(SPTAN1):c.6195C>T (p.Ser2065=)

Gene: SPTAN1 (spectrin alpha, non-erythrocytic 1; plus strand). Cytogenetic location: 9q34.11.
Variant type: single nucleotide variant.
Coding change: c.6195C>T on transcript NM_001130438.3 (MANE Select); coding-DNA position 6195, C replaced by T.
Protein change: p.Ser2065=; no amino-acid change (serine 2065 retained).
Molecular consequence: synonymous variant.
Genome position (GRCh38, 1-based): chr9:128,625,894, C>T. VCF-style: chr9-128625894-C-T. GRCh37 (hg19) VCF-style: chr9-131388173-C-T.
Other names: c.6120C>T, p.Ser2040= (NM_001195532.2); c.6195C>T, p.Ser2065= (NM_001363759.2); c.6135C>T, p.Ser2045= (NM_001363765.2); c.6180C>T, p.Ser2060= (NM_003127.4).
Identifiers: ClinVar variation 381778 (VCV000381778.12), dbSNP rs760243298, ClinGen allele CA5265659.
Genomic context (GRCh38, chr9:128,625,894, plus strand): 5'-AGATCAGCTTCTCGCCGCCAAACACGTTCAGTCCAAGGCCATCGAGGCCCGGCACGCCTC[C>T]CTCATGAAGAGGTGGAGCCAGCTTCTGGCCAACTCAGCCGCCCGCAAGAAGAAGCTTCTG-3'
Protein context (NP_001123910.1, residues 2055-2075): QSKAIEARHA[Ser2065=]LMKRWSQLLA

ClinVar aggregate classification (germline): Likely benign. Review status: criteria provided, multiple submitters, no conflicts (2 of 4 stars). 2 submissions from 2 submitters: Likely benign (2). Last evaluated 2025-07-15.

Conditions:
Early-infantile DEE. Also called: Ohtahara syndrome; Early infantile epileptic encephalopathy with suppression bursts; Early infantile epileptic encephalopathy. Identifiers: Orphanet 1934, MedGen C0393706, MONDO:0800491.

Allele frequency attached by ClinVar (database versions not stated): ExAC 0.00001; gnomAD exomes 0.00001; gnomAD 0.00005 and 0.00006; TOPMed 0.00006.
gnomAD v4.1: 24 of 1,614,086 alleles (0.0015%); highest among the groups gnomAD compares: African/African-American, 0.024%; no homozygotes.

Submissions (2):

Labcorp Genetics (formerly Invitae), Labcorp
Classification: Likely benign for Early-infantile DEE. Last evaluated: 2025-07-15. Review status: criteria provided, single submitter. Criteria: Invitae Variant Classification Sherloc (09022015). Collection method: clinical testing. Allele origin: germline.

GeneDx
Classification: Likely benign. Last evaluated: 2015-11-18. Review status: criteria provided, single submitter. Criteria: GeneDx Variant Classification (06012015). Collection method: clinical testing. Allele origin: germline. Affected: yes.
Comment: This variant is considered likely benign or benign based on one or more of the following criteria: it is a conservative change, it occurs at a poorly conserved position in the protein, it is predicted to be benign by multiple in silico algorithms, and/or has population frequency not consistent with disease.